The following is an entry in ClinVar:

NM_002449.5(MSX2):c.*416A>C

Gene: MSX2 (msh homeobox 2; plus strand). Cytogenetic location: 5q35.2.
Variant type: single nucleotide variant.
Coding change: c.*416A>C on transcript NM_002449.5 (MANE Select); 416 bases downstream of the stop codon, A replaced by C.
Molecular consequence: 3 prime UTR variant.
Genome position (GRCh38, 1-based): chr5:174,729,999, A>C. VCF-style: chr5-174729999-A-C. GRCh37 (hg19) VCF-style: chr5-174157002-A-C.
Other names: c.*844A>C (NM_001363626.2).
Identifiers: ClinVar variation 352848 (VCV000352848.5), dbSNP rs10038500, ClinGen allele CA10620054.

ClinVar aggregate classification (germline): Benign. Review status: criteria provided, single submitter (1 of 4 stars). 2 submissions from 1 submitter: Benign (2). Last evaluated 2018-01-12.

Conditions:
Parietal foramina 1 (PFM1). Also called: FORAMINA PARIETALIA PERMAGNA; PARIETAL FORAMINA, SYMMETRIC. Identifiers: Orphanet 60015, MedGen C1868599, MONDO:0008197, OMIM 168500.
Craniosynostosis 2 (CRS2). Also called: Warman-Mulliken-Hayward syndrome; Craniosynostosis Warman type; Craniosynostosis Boston type. Identifiers: Orphanet 1541, MedGen C1858160, MONDO:0011481, OMIM 604757.

Allele frequency attached by ClinVar (database versions not stated): gnomAD 0.02689 and 0.02725; TOPMed 0.03049; 1000 Genomes Project 0.04553; 1000 Genomes Project 30x 0.04794.

Submissions (2):

Illumina Laboratory Services, Illumina
Classification: Benign for Craniosynostosis 2. Last evaluated: 2018-01-12. Review status: criteria provided, single submitter. Criteria: ICSL Variant Classification Criteria 13 December 2019. Collection method: clinical testing. Allele origin: germline.
Comment: This variant was observed in the ICSL laboratory as part of a predisposition screen in an ostensibly healthy population. It had not been previously curated by ICSL or reported in the Human Gene Mutation Database (HGMD: prior to June 1st, 2018), and was therefore a candidate for classification through an automated scoring system. Utilizing variant allele frequency, disease prevalence and penetrance estimates, and inheritance mode, an automated score was calculated to assess if this variant is too frequent to cause the disease. Based on the score and internal cut-off values, a variant classified as benign is not then subjected to further curation. The score for this variant resulted in a classification of benign for this disease.

Illumina Laboratory Services, Illumina
Classification: Benign for Parietal foramina 1. Last evaluated: 2018-01-12. Review status: criteria provided, single submitter. Criteria: ICSL Variant Classification Criteria 13 December 2019. Collection method: clinical testing. Allele origin: germline.
Comment: the same text as in the submission from Illumina Laboratory Services, Illumina above.